The following is an entry in ClinVar:

ClinVar aggregate classification (germline): Uncertain significance (1 of 4 stars; one submission).

Submission:

Labcorp Genetics (formerly Invitae), Labcorp
Classification: Uncertain significance. Last evaluated: 2021-10-19. Review status: criteria provided, single submitter. Criteria: Invitae Variant Classification Sherloc (09022015). Collection method: clinical testing. Allele origin: germline.
Comment: In summary, the available evidence is currently insufficient to determine the role of this variant in disease. Therefore, it has been classified as a Variant of Uncertain Significance. Algorithms developed to predict the effect of missense changes on protein structure and function output the following: SIFT: "Tolerated"; PolyPhen-2: "Benign"; Align-GVGD: "Class C0". The alanine amino acid residue is found in multiple mammalian species, which suggests that this missense change does not adversely affect protein function. This variant has not been reported in the literature in individuals affected with MTPAP-related conditions. This variant is not present in population databases (ExAC no frequency). This sequence change replaces aspartic acid with alanine at codon 515 of the MTPAP protein (p.Asp515Ala). The aspartic acid residue is weakly conserved and there is a moderate physicochemical difference between aspartic acid and alanine.

NM_018109.4(MTPAP):c.1544A>C (p.Asp515Ala)

Gene: MTPAP (mitochondrial poly(A) polymerase; minus strand). Cytogenetic location: 10p11.23.
Variant type: single nucleotide variant.
Coding change: c.1544A>C on transcript NM_018109.4 (MANE Select); coding-DNA position 1544, A replaced by C.
Protein change: p.Asp515Ala; replaces aspartic acid 515 with alanine.
Molecular consequence: missense variant.
Genome position (GRCh38, 1-based): chr10:30,313,814, T>G on the plus strand (A>C on the coding strand, the complement: MTPAP is on the minus strand). VCF-style: chr10-30313814-T-G. GRCh37 (hg19) VCF-style: chr10-30602743-T-G.
Other names: short protein forms D515A.
Identifiers: ClinVar variation 1447716 (VCV001447716.6), dbSNP rs2132841532, ClinGen allele CA376434519.